The following is an entry in ClinVar:

ClinVar aggregate classification (germline): Uncertain significance (1 of 4 stars; one submission).

Conditions:
Walker-Warburg congenital muscular dystrophy. Also called: Muscular dystrophy-dystroglycanopathy, type A; Walker-Warburg syndrome. Identifiers: Orphanet 899, MedGen C0265221, MONDO:0000171.

Allele frequency attached by ClinVar (database versions not stated): gnomAD exomes 0.00001.
gnomAD v4.1: 1 of 1,580,802 alleles (0.000063%); highest among the groups gnomAD compares: Admixed American, 0.0019%; no homozygotes.

Submission:

Labcorp Genetics (formerly Invitae), Labcorp
Classification: Uncertain significance for Walker-Warburg congenital muscular dystrophy. Last evaluated: 2022-06-20. Review status: criteria provided, single submitter. Criteria: Invitae Variant Classification Sherloc (09022015). Collection method: clinical testing. Allele origin: germline.
Comment: This sequence change replaces histidine, which is basic and polar, with tyrosine, which is neutral and polar, at codon 353 of the FKRP protein (p.His353Tyr). The frequency data for this variant in the population databases is considered unreliable, as metrics indicate poor data quality at this position in the gnomAD database. This variant has not been reported in the literature in individuals affected with FKRP-related conditions. ClinVar contains an entry for this variant (Variation ID: 842082). Algorithms developed to predict the effect of missense changes on protein structure and function are either unavailable or do not agree on the potential impact of this missense change (SIFT: "Tolerated"; PolyPhen-2: "Probably Damaging"; Align-GVGD: "Class C0"). In summary, the available evidence is currently insufficient to determine the role of this variant in disease. Therefore, it has been classified as a Variant of Uncertain Significance.

NM_024301.5(FKRP):c.1057C>T (p.His353Tyr)

Gene: FKRP (fukutin related protein; plus strand). Cytogenetic location: 19q13.32.
Variant type: single nucleotide variant.
Coding change: c.1057C>T on transcript NM_024301.5 (MANE Select); coding-DNA position 1057, C replaced by T.
Protein change: p.His353Tyr; replaces histidine 353 with tyrosine.
Molecular consequence: missense variant.
Genome position (GRCh38, 1-based): chr19:46,756,507, C>T. VCF-style: chr19-46756507-C-T. GRCh37 (hg19) VCF-style: chr19-47259764-C-T.
Other names: c.1057C>T, p.His353Tyr (NM_001039885.3); short protein forms H353Y.
Identifiers: ClinVar variation 842082 (VCV000842082.7), dbSNP rs1468465064, ClinGen allele CA406496555.